The following is an entry in ClinVar:

NM_000092.5(COL4A4):c.3951del (p.Cys1317fs)

Gene: COL4A4 (collagen type IV alpha 4 chain; minus strand). Cytogenetic location: 2q36.3.
Variant type: Deletion.
Coding change: c.3951del on transcript NM_000092.5 (MANE Select); coding-DNA position 3951, one base deleted (T; older notation c.3951delT).
Protein change: p.Cys1317fs; shifts the reading frame from cysteine 1317.
Molecular consequence: frameshift variant.
Genome position (GRCh38, 1-based): chr2:227,030,465, A deleted on the plus strand (T on the coding strand, the reverse complement: COL4A4 is on the minus strand). VCF-style (leftmost placement, unchanged base first): chr2-227030464-CA-C. GRCh37 (hg19) VCF-style: chr2-227895180-CA-C.
Other names: short protein forms C1317fs.
Identifiers: ClinVar variation 5015096 (VCV005015096.1).

ClinVar aggregate classification (germline): Pathogenic (1 of 4 stars; one submission).

Conditions:
Alport syndrome. Also called: Hemorrhagic familial nephritis; Hemorrhagic hereditary nephritis; Congenital hereditary hematuria. Identifiers: Orphanet 63, MedGen C1567741, MONDO:0018965.

Submission:

Myriad Genetics, Inc.
Classification: Pathogenic for Alport syndrome. Last evaluated: 2025-10-16. Review status: criteria provided, single submitter. Criteria: Myriad Autosomal Dominant, Autosomal Recessive and X-Linked Classification Criteria (2023). Collection method: clinical testing. Allele origin: unknown.
Comment: NM_000092.4(COL4A4):c.3951delT(C1317Wfs*71) is expected to be pathogenic in the context of Alport syndrome, COL4A4-related. This variant is predicted to lead to an abnormal or absent protein product due to the creation of a premature termination codon in COL4A4, a gene where loss-of-function variants are known to be pathogenic. Please note: this variant was assessed in the context of healthy population screening.